The following is an entry in ClinVar:

ClinVar aggregate classification (germline): Uncertain significance (1 of 4 stars; one submission).

Submission:

Ambry Genetics
Classification: Uncertain significance. Last evaluated: 2024-10-23. Review status: criteria provided, single submitter. Criteria: Ambry Variant Classification Scheme 2023. Collection method: clinical testing. Allele origin: germline.
Comment: The p.F620V variant (also known as c.1858T>G), located in coding exon 17 of the PRKDC gene, results from a T to G substitution at nucleotide position 1858. The phenylalanine at codon 620 is replaced by valine, an amino acid with highly similar properties. This amino acid position is conserved. In addition, the in silico prediction for this alteration is inconclusive. Based on the available evidence, the clinical significance of this variant remains unclear.

NM_006904.7(PRKDC):c.1858T>G (p.Phe620Val)

Gene: PRKDC (protein kinase, DNA-activated, catalytic subunit; minus strand). Cytogenetic location: 8q11.21.
Variant type: single nucleotide variant.
Coding change: c.1858T>G on transcript NM_006904.7 (MANE Select); coding-DNA position 1858, T replaced by G.
Protein change: p.Phe620Val; replaces phenylalanine 620 with valine.
Molecular consequence: missense variant.
Genome position (GRCh38, 1-based): chr8:47,930,706, A>C on the plus strand (T>G on the coding strand, the complement: PRKDC is on the minus strand). VCF-style: chr8-47930706-A-C. GRCh37 (hg19) VCF-style: chr8-48843266-A-C.
Other names: c.1858T>G, p.Phe620Val (NM_001081640.2); short protein forms F620V.
Identifiers: ClinVar variation 3425372 (VCV003425372.1).